The following is an entry in ClinVar:

ClinVar aggregate classification (germline): Pathogenic (1 of 4 stars; one submission).

gnomAD v4.1: 1 of 1,612,538 alleles (0.000062%); highest among the groups gnomAD compares: Non-Finnish European, 0.000085%; no homozygotes.

Submission:

Labcorp Genetics (formerly Invitae), Labcorp
Classification: Pathogenic. Last evaluated: 2025-10-29. Review status: criteria provided, single submitter. Criteria: Invitae Variant Classification Sherloc (09022015). Collection method: clinical testing. Allele origin: germline.
Comment: This sequence change creates a premature translational stop signal (p.Gln65*) in the SNX10 gene. It is expected to result in an absent or disrupted protein product. Loss-of-function variants in SNX10 are known to be pathogenic (PMID: 23123320, 23280965, 25811986). This variant is not present in population databases (gnomAD no frequency). This variant has not been reported in the literature in individuals affected with SNX10-related conditions. Algorithms developed to predict the effect of sequence changes on RNA splicing suggest that this variant may disrupt the consensus splice site. For these reasons, this variant has been classified as Pathogenic.

Literature cited by the submitters: PubMed 23123320; PubMed 23280965; PubMed 25811986.

NM_013322.3(SNX10):c.193C>T (p.Gln65Ter)

Gene: SNX10 (sorting nexin 10; plus strand). Cytogenetic location: 7p15.2.
Variant type: single nucleotide variant.
Coding change: c.193C>T on transcript NM_013322.3 (MANE Select); coding-DNA position 193, C replaced by T.
Protein change: p.Gln65Ter; replaces glutamine 65 with a stop codon.
Molecular consequence: nonsense. On other transcripts: intron variant (1).
Genome position (GRCh38, 1-based): chr7:26,364,616, C>T. VCF-style: chr7-26364616-C-T. GRCh37 (hg19) VCF-style: chr7-26404236-C-T.
Other names: c.193C>T, p.Gln65Ter (NM_001199835.1, NM_001318199.3); c.184C>T, p.Gln62Ter (NM_001199837.3); c.271C>T, p.Gln91Ter (NM_001318198.1, NM_001362753.1, NM_001362754.1); c.-41+114C>T (NM_001199838.2); short protein forms Q91*, Q62*, Q65*.
Identifiers: ClinVar variation 4700979 (VCV004700979.1).